The following is an entry in ClinVar:

NM_001204.7(BMPR2):c.3041G>A (p.Ser1014Asn)

Gene: BMPR2 (bone morphogenetic protein receptor type 2; plus strand). Cytogenetic location: 2q33.2.
Variant type: single nucleotide variant.
Coding change: c.3041G>A on transcript NM_001204.7 (MANE Select); coding-DNA position 3041, G replaced by A.
Protein change: p.Ser1014Asn; replaces serine 1014 with asparagine.
Molecular consequence: missense variant.
Genome position (GRCh38, 1-based): chr2:202,559,870, G>A. VCF-style: chr2-202559870-G-A. GRCh37 (hg19) VCF-style: chr2-203424593-G-A.
Other names: short protein forms S1014N.
Identifiers: ClinVar variation 4597691 (VCV004597691.1).

ClinVar aggregate classification (germline): Uncertain significance (1 of 4 stars; one submission).

Conditions:
Inborn genetic diseases. Identifiers: MedGen C0950123, MeSH D030342.

gnomAD v4.1: 1 of 1,614,074 alleles (0.000062%); highest among the groups gnomAD compares: Non-Finnish European, 0.000085%; no homozygotes.

Submission:

Ambry Genetics
Classification: Uncertain significance for Inborn genetic diseases. Last evaluated: 2025-11-10. Review status: criteria provided, single submitter. Criteria: Ambry Variant Classification Scheme 2023. Collection method: clinical testing. Allele origin: germline.
Comment: The p.S1014N variant (also known as c.3041G>A), located in coding exon 13 of the BMPR2 gene, results from a G to A substitution at nucleotide position 3041. The serine at codon 1014 is replaced by asparagine, an amino acid with highly similar properties. This amino acid position is conserved. In addition, this alteration is predicted to be tolerated by in silico analysis. Based on the available evidence, the clinical significance of this variant remains unclear.